The following is an entry in ClinVar:

NM_025114.4(CEP290):c.3884dup (p.Asn1295fs)

Gene: CEP290 (centrosomal protein 290; minus strand). Cytogenetic location: 12q21.32.
Variant type: Duplication.
Coding change: c.3884dup on transcript NM_025114.4 (MANE Select); coding-DNA position 3884, one base duplicated (A; older notation c.3884dupA).
Protein change: p.Asn1295fs; shifts the reading frame from asparagine 1295.
Molecular consequence: frameshift variant.
Genome position (GRCh38, 1-based): chr12:88,089,177, T duplicated on the plus strand (A on the coding strand, the reverse complement: CEP290 is on the minus strand); the first of 4 consecutive T bases (chr12:88,089,177-88,089,180); duplicating any one gives the same sequence. VCF-style (leftmost placement, unchanged base first): chr12-88089176-A-AT. GRCh37 (hg19) VCF-style: chr12-88482953-A-AT.
Other names: short protein forms N1295fs.
Identifiers: ClinVar variation 2922333 (VCV002922333.3), dbSNP rs1381090737, ClinGen allele CA606675526.

ClinVar aggregate classification (germline): Pathogenic (1 of 4 stars; one submission).

Conditions:
Joubert syndrome. Also called: CEREBELLOPARENCHYMAL DISORDER IV; JOUBERT-BOLTSHAUSER SYNDROME; Familial aplasia of the vermis. Identifiers: Orphanet 475, MedGen C5979921, MONDO:0018772.
Nephronophthisis. Also called: Juvenile Nephronophthisis. Identifiers: Orphanet 655, MedGen C0687120, MONDO:0019005, HP:0000090.
Meckel-Gruber syndrome. Also called: DYSENCEPHALIA SPLANCHNOCYSTICA; GRUBER SYNDROME; Dysencephalia splachnocystica. Identifiers: Orphanet 564, MedGen C0265215, MONDO:0018921.

Submission:

Labcorp Genetics (formerly Invitae), Labcorp
Classification: Pathogenic for Joubert syndrome; Meckel-Gruber syndrome; Nephronophthisis. Last evaluated: 2024-01-20. Review status: criteria provided, single submitter. Criteria: Invitae Variant Classification Sherloc (09022015). Collection method: clinical testing. Allele origin: germline.
Comment: This sequence change creates a premature translational stop signal (p.Asn1295Lysfs*2) in the CEP290 gene. It is expected to result in an absent or disrupted protein product. Loss-of-function variants in CEP290 are known to be pathogenic (PMID: 16909394, 17345604, 20690115). This variant is present in population databases (no rsID available, gnomAD 0.0009%). This variant has not been reported in the literature in individuals affected with CEP290-related conditions. For these reasons, this variant has been classified as Pathogenic.

Literature cited by the submitters: PubMed 16909394; PubMed 17345604; PubMed 20690115.